The following is an entry in ClinVar:

ClinVar aggregate classification (germline): Likely benign. Review status: criteria provided, multiple submitters, no conflicts (2 of 4 stars). 3 submissions from 3 submitters: Likely benign (2). 1 of the submissions does not count toward it. Last evaluated 2025-11-12.

Conditions:
RASGRP1-related disorder. Also called: RASGRP1-related condition.

Allele frequency attached by ClinVar (database versions not stated): ExAC 0.00008; gnomAD 0.00012; gnomAD exomes 0.00014 and 0.00017; TOPMed 0.00016; 1000 Genomes Project 30x 0.00031; ESP Exome Variant Server 0.00041.
gnomAD v4.1: 275 of 1,613,136 alleles (0.017%); highest among the groups gnomAD compares: Non-Finnish European, 0.022%; 1 homozygote.

Submissions (3):

Labcorp Genetics (formerly Invitae), Labcorp
Classification: Likely benign. Last evaluated: 2025-11-12. Review status: criteria provided, single submitter. Criteria: Invitae Variant Classification Sherloc (09022015). Collection method: clinical testing. Allele origin: germline.

CeGaT Center for Human Genetics Tuebingen
Classification: Likely benign. Last evaluated: 2023-07-01. Review status: criteria provided, single submitter. Criteria: CeGaT Center For Human Genetics Tuebingen Variant Classification Criteria Version 2. Collection method: clinical testing. Allele origin: germline. Affected: yes. Observed: 1 variant allele.
Comment: RASGRP1: BP4, BP7

PreventionGenetics, part of Exact Sciences
Classification: Likely benign for RASGRP1-related condition. Last evaluated: 2024-04-23. Review status: no assertion criteria provided. Collection method: clinical testing. Allele origin: germline. Not counted in ClinVar's aggregate classification.
Comment: This variant is classified as likely benign based on ACMG/AMP sequence variant interpretation guidelines (Richards et al. 2015 PMID: 25741868, with internal and published modifications).

NM_005739.4(RASGRP1):c.1632C>T (p.Phe544=)

Gene: RASGRP1 (RAS guanyl releasing protein 1; minus strand). Cytogenetic location: 15q14.
Variant type: single nucleotide variant.
Coding change: c.1632C>T on transcript NM_005739.4 (MANE Select); coding-DNA position 1632, C replaced by T.
Protein change: p.Phe544=; no amino-acid change (phenylalanine 544 retained).
Molecular consequence: synonymous variant.
Genome position (GRCh38, 1-based): chr15:38,501,194, G>A on the plus strand (C>T on the coding strand, the complement: RASGRP1 is on the minus strand). VCF-style: chr15-38501194-G-A. GRCh37 (hg19) VCF-style: chr15-38793395-G-A.
Other names: c.1527C>T, p.Phe509= (NM_001128602.2, NM_001306086.2); c.1632C>T (NM_005739.3).
Identifiers: ClinVar variation 1137779 (VCV001137779.32), dbSNP rs375261237, ClinGen allele CA7470820.